The following is an entry in ClinVar:

ClinVar aggregate classification (germline): Uncertain significance (1 of 4 stars; one submission).

Submission:

Women's Health and Genetics/Laboratory Corporation of America, LabCorp
Classification: Uncertain significance. Last evaluated: 2026-05-12. Review status: criteria provided, single submitter. Criteria: LabCorp Variant Classification Summary - May 2015. Collection method: clinical testing. Allele origin: germline.
Comment: Variant summary: USH2A c.13768G>A (p.Gly4590Ser) results in a non-conservative amino acid change in the encoded protein sequence. Algorithms developed to predict the effect of missense changes on protein structure and function are either unavailable or do not agree on the potential impact of this missense change. The variant was absent in 251266 control chromosomes. The available data on variant occurrences in the general population are insufficient to allow any conclusion about variant significance. c.13768G>A has been observed in an individual affected with Usher Syndrome (Lenassi_2015). This report does not provide unequivocal conclusions about the association of the variant with Usher Syndrome. To our knowledge, no experimental evidence demonstrating an impact on protein function has been reported. The following publication has been ascertained in the context of this evaluation (PMID: 25649381). No submitters have cited clinical-significance assessments for this variant to ClinVar. Based on the evidence outlined above, the variant was classified as uncertain significance.

Literature cited by the submitters: PubMed 25649381.

NM_206933.4(USH2A):c.13768G>A (p.Gly4590Ser)

Gene: USH2A (usherin; minus strand). Cytogenetic location: 1q41.
Variant type: single nucleotide variant.
Coding change: c.13768G>A on transcript NM_206933.4 (MANE Select); coding-DNA position 13768, G replaced by A.
Protein change: p.Gly4590Ser; replaces glycine 4590 with serine.
Molecular consequence: missense variant.
Genome position (GRCh38, 1-based): chr1:215,674,143, C>T on the plus strand (G>A on the coding strand, the complement: USH2A is on the minus strand). VCF-style: chr1-215674143-C-T. GRCh37 (hg19) VCF-style: chr1-215847485-C-T.
Other names: short protein forms G4590S.
Identifiers: ClinVar variation 4853212 (VCV004853212.1).